The following is an entry in ClinVar:

NM_138387.4(G6PC3):c.784G>A (p.Gly262Ser)

Gene: G6PC3 (glucose-6-phosphatase catalytic subunit 3; plus strand). Cytogenetic location: 17q21.31.
Variant type: single nucleotide variant.
Coding change: c.784G>A on transcript NM_138387.4 (MANE Select); coding-DNA position 784, G replaced by A.
Protein change: p.Gly262Ser; replaces glycine 262 with serine.
Molecular consequence: missense variant. On other transcripts: 3 prime UTR variant (1).
Genome position (GRCh38, 1-based): chr17:44,075,786, G>A. VCF-style: chr17-44075786-G-A. GRCh37 (hg19) VCF-style: chr17-42153154-G-A.
Other names: c.*77G>A (NM_001319945.2); c.439G>A, p.Gly147Ser (NM_001384165.1, NM_001384166.1, NM_001384167.1 and 1 more transcripts); short protein forms G147S, G262S.
Identifiers: ClinVar variation 4871585 (VCV004871585.1).

ClinVar aggregate classification (germline): Uncertain significance (1 of 4 stars; one submission).

Conditions:
Inborn genetic diseases. Identifiers: MedGen C0950123, MeSH D030342.

Submission:

Ambry Genetics
Classification: Uncertain significance for Inborn genetic diseases. Last evaluated: 2026-03-30. Review status: criteria provided, single submitter. Criteria: Ambry Variant Classification Scheme 2023. Collection method: clinical testing. Allele origin: germline.
Comment: The p.G262S variant (also known as c.784G>A), located in coding exon 6 of the G6PC3 gene, results from a G to A substitution at nucleotide position 784. The glycine at codon 262 is replaced by serine, an amino acid with similar properties. This amino acid position is conserved. In addition, this alteration is predicted to be deleterious by in silico analysis. Based on the available evidence, the clinical significance of this variant remains unclear.